The following is an entry in ClinVar:

ClinVar aggregate classification (germline): Uncertain significance (1 of 4 stars; one submission).

Conditions:
Cardiovascular phenotype. Identifiers: MedGen CN230736.
Hereditary cancer-predisposing syndrome. Also called: Tumor predisposition; Hereditary neoplastic syndrome; Neoplastic Syndromes, Hereditary; Hereditary Cancer Syndrome. Identifiers: Orphanet 140162, MedGen C0027672, MeSH D009386, MONDO:0015356.

Submission:

Ambry Genetics
Classification: Uncertain significance for Cardiovascular phenotype; Hereditary cancer-predisposing syndrome. Last evaluated: 2025-04-17. Review status: criteria provided, single submitter. Criteria: Ambry Variant Classification Scheme 2023. Collection method: clinical testing. Allele origin: germline.
Comment: The p.K2286E variant (also known as c.6856A>G), located in coding exon 45 of the NF1 gene, results from an A to G substitution at nucleotide position 6856. The lysine at codon 2286 is replaced by glutamic acid, an amino acid with similar properties. This amino acid position is highly conserved in available vertebrate species. In addition, this alteration is predicted to be tolerated by in silico analysis. Based on the available evidence, the clinical significance of this variant remains unclear.

NM_001042492.3(NF1):c.6919A>G (p.Lys2307Glu)

Gene: NF1 (neurofibromin 1; plus strand). Cytogenetic location: 17q11.2.
Variant type: single nucleotide variant.
Coding change: c.6919A>G on transcript NM_001042492.3 (MANE Select); coding-DNA position 6919, A replaced by G.
Protein change: p.Lys2307Glu; replaces lysine 2307 with glutamic acid.
Molecular consequence: missense variant.
Genome position (GRCh38, 1-based): chr17:31,338,803, A>G. VCF-style: chr17-31338803-A-G. GRCh37 (hg19) VCF-style: chr17-29665821-A-G.
Other names: c.6856A>G, p.Lys2286Glu (NM_000267.4); short protein forms K2307E, K2286E.
Identifiers: ClinVar variation 4022695 (VCV004022695.1).